The following is an entry in ClinVar:

NM_001130987.2(DYSF):c.127G>A (p.Val43Met)

Gene: DYSF (dysferlin; plus strand). Cytogenetic location: 2p13.2.
Variant type: single nucleotide variant.
Coding change: c.127G>A on transcript NM_001130987.2 (MANE Select); coding-DNA position 127, G replaced by A.
Protein change: p.Val43Met; replaces valine 43 with methionine.
Molecular consequence: missense variant.
Genome position (GRCh38, 1-based): chr2:71,480,918, G>A. VCF-style: chr2-71480918-G-A. GRCh37 (hg19) VCF-style: chr2-71708048-G-A.
Other names: c.127G>A, p.Val43Met (NM_001130455.2, NM_001130982.2, NM_001130983.2 and 3 more transcripts); c.124G>A, p.Val42Met (NM_001130976.2, NM_001130977.2, NM_001130978.2 and 4 more transcripts); short protein forms V42M, V43M.
Identifiers: ClinVar variation 289471 (VCV000289471.19), dbSNP rs374203339, ClinGen allele CA1705230.

ClinVar aggregate classification (germline): Conflicting classifications of pathogenicity. Review status: criteria provided, conflicting classifications (1 of 4 stars). 8 submissions from 8 submitters: Uncertain significance (6); Benign (1). 1 of the submissions does not count toward it. Last evaluated 2026-01-14.

Conditions:
Neuromuscular disease caused by qualitative or quantitative defects of dysferlin. Also called: Dysferlinopathy; Qualitative or quantitative defects of dysferlin. Identifiers: Orphanet 207073, MedGen C2931687, MONDO:0016145.
Autosomal recessive limb-girdle muscular dystrophy type 2B (LGMDR2). Also called: MUSCULAR DYSTROPHY, LIMB-GIRDLE, AUTOSOMAL RECESSIVE 2; Limb-girdle muscular dystrophy, type 2B; Limb-Girdle Muscular Dystrophy Type 2B (LGMD2B); MUSCULAR DYSTROPHY, LIMB-GIRDLE, TYPE 3. Identifiers: Orphanet 268, MedGen C1850889, MONDO:0009676, OMIM 253601.

Allele frequency attached by ClinVar (database versions not stated): ExAC 0.00007; gnomAD exomes 0.00007; ESP Exome Variant Server 0.00008; gnomAD 0.00011 and 0.00013; TOPMed 0.00011; 1000 Genomes Project 30x 0.00031; 1000 Genomes Project 0.00040.

Submissions (8):

Labcorp Genetics (formerly Invitae), Labcorp
Classification: Benign for Neuromuscular disease caused by qualitative or quantitative defects of dysferlin. Last evaluated: 2026-01-14. Review status: criteria provided, single submitter. Criteria: Invitae Variant Classification Sherloc (09022015). Collection method: clinical testing. Allele origin: germline.

Women's Health and Genetics/Laboratory Corporation of America, LabCorp
Classification: Uncertain significance. Last evaluated: 2025-07-21. Review status: criteria provided, single submitter. Criteria: LabCorp Variant Classification Summary - May 2015. Collection method: clinical testing. Allele origin: germline.
Comment: Variant summary: DYSF c.124G>A (p.Val42Met) results in a conservative amino acid change in the encoded protein sequence. Algorithms developed to predict the effect of missense changes on protein structure and function all suggest that this variant is likely to be tolerated. The variant allele was found at a frequency of 6.8e-05 in 251484 control chromosomes. This frequency is not significantly higher than estimated for a pathogenic variant in DYSF causing Autosomal recessive limb-girdle muscular dystrophy type 2B (6.8e-05 vs 0.011), allowing no conclusion about variant significance. To our knowledge, no occurrence of c.124G>A in individuals affected with Autosomal recessive limb-girdle muscular dystrophy type 2B and no experimental evidence demonstrating its impact on protein function have been reported. ClinVar contains an entry for this variant (Variation ID: 289471). Based on the evidence outlined above, the variant was classified as uncertain significance.

Revvity Omics, Revvity
Classification: Uncertain significance. Last evaluated: 2022-03-23. Review status: criteria provided, single submitter. Criteria: ACMG Guidelines, 2015. Collection method: clinical testing. Allele origin: germline.

Blueprint Genetics
Classification: Uncertain significance. Last evaluated: 2021-11-25. Review status: criteria provided, single submitter. Criteria: ACMG Guidelines, 2015. Collection method: clinical testing. Allele origin: germline.

Eurofins Ntd Llc (ga)
Classification: Uncertain significance. Last evaluated: 2018-04-26. Review status: criteria provided, single submitter. Criteria: EGL ClinVar v180209 classification definitions. Collection method: clinical testing. Allele origin: germline. Observed: 3 variant alleles, 3 heterozygotes.

Illumina Laboratory Services, Illumina
Classification: Uncertain significance for Qualitative or quantitative defects of dysferlin. Last evaluated: 2018-01-13. Review status: criteria provided, single submitter. Criteria: ICSL Variant Classification Criteria 13 December 2019. Collection method: clinical testing. Allele origin: germline.

Athena Diagnostics
Classification: Uncertain significance. Last evaluated: 2017-12-11. Review status: criteria provided, single submitter. Criteria: Athena Diagnostics Criteria. Collection method: clinical testing. Allele origin: germline.

Natera, Inc.
Classification: Uncertain significance for Limb-girdle muscular dystrophy type 2B. Last evaluated: 2020-07-15. Review status: no assertion criteria provided. Collection method: clinical testing. Allele origin: germline. Not counted in ClinVar's aggregate classification.